The following is an entry in ClinVar:

ClinVar aggregate classification (germline): Pathogenic/Likely pathogenic. Review status: criteria provided, multiple submitters, no conflicts (2 of 4 stars). 3 submissions from 3 submitters: Pathogenic (2); Likely pathogenic (1). Last evaluated 2026-10-19.

Conditions:
Retinitis pigmentosa 1 (RP1). Identifiers: Orphanet 791, MedGen C0220701, MONDO:0008377, OMIM 180100.
RP1-related dominant retinopathy. Identifiers: MedGen CN322606, MONDO:0800400.

Submissions (3):

Department of Ophthalmology, Seoul National University Bundang Hospital
Classification: Pathogenic for RP1-related dominant retinopathy. Last evaluated: 2026-10-19. Review status: criteria provided, single submitter. Criteria: ACMG Guidelines, 2015. Collection method: clinical testing. Allele origin: germline. Inheritance: Autosomal dominant inheritance. Affected: yes.
Comment: Frameshift variant in exon 4, within the dominant cluster. Identified in a Korean multicenter RP1 cohort (PMID:42847597) with dominant retinitis pigmentosa. ACMG/AMP criteria: PVS1, PS4, PM2. Previously reported by Berson et al., 2001 (PMID:11527933).

3billion
Classification: Likely pathogenic for Retinitis pigmentosa 1. Last evaluated: 2023-11-21. Review status: criteria provided, single submitter. Criteria: ACMG Guidelines, 2015. Collection method: clinical testing. Allele origin: germline. Affected: yes.
Comment: The variant is not observed in the gnomAD v2.1.1 dataset. Predicted Consequence/Location: Frameshift: predicted to result in a loss or disruption of normal protein function through protein truncation. The predicted truncated protein may be shortened by more than 10%. None. The variant has been reported to be associated with RP1 related disorder (ClinVar ID: VCV002136667 /PMID: 11527933). However, the evidence of pathogenicity is insufficient at this time. Therefore, this variant is classified as Likely pathogenic according to the recommendation of ACMG/AMP guideline.

Labcorp Genetics (formerly Invitae), Labcorp
Classification: Pathogenic. Last evaluated: 2022-05-18. Review status: criteria provided, single submitter. Criteria: Invitae Variant Classification Sherloc (09022015). Collection method: clinical testing. Allele origin: germline.
Comment: This sequence change creates a premature translational stop signal (p.Glu729Lysfs*9) in the RP1 gene. While this is not anticipated to result in nonsense mediated decay, it is expected to disrupt the last 1428 amino acid(s) of the RP1 protein. This variant is not present in population databases (gnomAD no frequency). This premature translational stop signal has been observed in individual(s) with retinitis pigmentosa (PMID: 11527933). This variant disrupts the C-terminus of the RP1 protein. Many variants that disrupt this region have been reported in individuals with either autosomal dominant or autosomal recessive retinitis pigmentosa (PMID: 11527933, 19933189, 29425069, 30027431, 33681214). Therefore, variants that disrupt this region are expected to be disease-causing. For these reasons, this variant has been classified as Pathogenic.

Literature cited by the submitters: PubMed 42847597 (cited by Department of Ophthalmology, Seoul National University Bundang Hospital); PubMed 11527933 (cited by 3 submitters); PubMed 19933189 (cited by Labcorp Genetics (formerly Invitae), Labcorp); PubMed 29425069 (cited by Labcorp Genetics (formerly Invitae), Labcorp); PubMed 30027431 (cited by Labcorp Genetics (formerly Invitae), Labcorp); PubMed 33681214 (cited by Labcorp Genetics (formerly Invitae), Labcorp).

NM_006269.2(RP1):c.2185del (p.Glu729fs)

Gene: RP1 (RP1 axonemal microtubule associated; plus strand). Cytogenetic location: 8q12.1.
Variant type: Deletion.
Coding change: c.2185del on transcript NM_006269.2 (MANE Select); coding-DNA position 2185, one base deleted (G; older notation c.2185delG).
Protein change: p.Glu729fs; shifts the reading frame from glutamic acid 729.
Molecular consequence: frameshift variant. On other transcripts: intron variant (1).
Genome position (GRCh38, 1-based): chr8:54,626,067, G deleted; the last of 2 consecutive G bases (chr8:54,626,066-54,626,067); deleting either gives the same sequence. VCF-style (leftmost placement, unchanged base first): chr8-54626065-AG-A. GRCh37 (hg19) VCF-style: chr8-55538625-AG-A.
Other names: p.Glu729Lysfs*9; c.787+3779del (NM_001375654.1); short protein forms E729fs.
Identifiers: ClinVar variation 2136667 (VCV002136667.6), dbSNP rs2536573637, ClinGen allele CA2580078391.